The following is an entry in ClinVar:

ClinVar aggregate classification (germline): Uncertain significance (1 of 4 stars; one submission).

Conditions:
Arrhythmogenic cardiomyopathy with wooly hair and keratoderma. Also called: PALMOPLANTAR KERATODERMA WITH LEFT VENTRICULAR CARDIOMYOPATHY AND WOOLLY HAIR; Carvajal syndrome; Dilated cardiomyopathy with woolly hair and keratoderma; Arrhythmogenic cardiomyopathy with woolly hair and keratoderma. Identifiers: Orphanet 65282, MedGen C1854063, MONDO:0011581, OMIM 605676.

gnomAD v4.1: 1 of 1,574,156 alleles (0.000064%); highest among the groups gnomAD compares: Non-Finnish European, 0.000086%; no homozygotes.

Submission:

All of Us Research Program, National Institutes of Health
Classification: Uncertain significance for Arrhythmogenic cardiomyopathy with wooly hair and keratoderma. Last evaluated: 2023-05-16. Review status: criteria provided, single submitter. Criteria: ACMG Guidelines, 2015. Collection method: clinical testing. Allele origin: germline. Inheritance: Autosomal dominant inheritance. Observed: 1 variant allele, 1 heterozygote.
Comment: This missense variant replaces serine with cysteine at codon 43 of the DSP protein. Computational prediction suggests that this variant may not impact protein structure and function (internally defined REVEL score threshold <= 0.5, PMID: 27666373). To our knowledge, functional studies have not been reported for this variant. This variant has not been reported in individuals affected with DSP-related disorders in the literature. This variant has not been identified in the general population by the Genome Aggregation Database (gnomAD). The available evidence is insufficient to determine the role of this variant in disease conclusively. Therefore, this variant is classified as a Variant of Uncertain Significance.

This study involves interpretation of variants in research participants for the purpose of population health screening. Participant phenotype was not available at the time of variant classification. Additional details can be found in publication PMID: 35346344, PMCID: PMC8962531

NM_004415.4(DSP):c.128C>G (p.Ser43Cys)

Genes: DSP (desmoplakin; plus strand), DSP-AS1 (DSP antisense RNA 1; minus strand). Cytogenetic location: 6p24.3.
Variant type: single nucleotide variant.
Coding change: c.128C>G on transcript NM_004415.4 (MANE Select); coding-DNA position 128, C replaced by G.
Protein change: p.Ser43Cys; replaces serine 43 with cysteine.
Molecular consequence: missense variant.
Genome position (GRCh38, 1-based): chr6:7,542,043, C>G. VCF-style: chr6-7542043-C-G. GRCh37 (hg19) VCF-style: chr6-7542276-C-G.
Other names: c.128C>G, p.Ser43Cys (NM_001008844.3, NM_001319034.2, NM_001406591.1); short protein forms S43C.
Identifiers: ClinVar variation 3071137 (VCV003071137.1), dbSNP rs1757997664, ClinGen allele CA362675898.